The following is an entry in ClinVar:

ClinVar aggregate classification (germline): Pathogenic (0 of 4 stars; one submission).

Conditions:
Steinert myotonic dystrophy syndrome (DM1). Also called: STEINERT DISEASE; Myotonic dystrophy type 1; Dystrophia myotonica type 1; Steinert myotonic dystrophy; Steinert's disease. Identifiers: Orphanet 273, MedGen C3250443, MONDO:0008056, OMIM 160900.

Submission:

Institute of Molecular, Cell and Systems Biology, University of Glasgow
Classification: Pathogenic for Steinert myotonic dystrophy syndrome. Review status: no assertion criteria provided. Criteria: research. Collection method: research. Allele origin: germline. Inheritance: Autosomal dominant inheritance. Affected: yes. Observed: 1 heterozygote.
Comment: DMPK CTG repeat expansions greater than approximately 45-50 repeats are assumed to be pathogenic

This record is based on data published in PubMed 25052313, which reports only ClinVar accessions SCV000120188 and SCV000120189. The complete data set includes SCV000207445 - SCV000207579.

Literature cited by the submitters: PubMed 1346923; PubMed 1546326; PubMed 25052313.

NM_004409.5(DMPK):c.*224CTG[238]

Genes: DM1-AS (DM1 locus antisense RNA; plus strand), DMPK (DM1 protein kinase; minus strand), LOC107075317 (origin of replication in DMPK trinucleotide repeat region; plus strand), LOC109461477 (dystrophia myotonica protein kinase repeat instability region; plus strand). Cytogenetic location: 19q13.32.
Variant type: Microsatellite.
Coding change: c.*224CTG[238] on transcript NM_004409.5 (MANE Select); 238 copies in a row of the 3-base unit CTG starting at c.*224.
Molecular consequence: 3 prime UTR variant.
Genome position: GRCh38, VCF-style position (the base before the change): chr19:45,770,204. GRCh37 (hg19), VCF-style position (the base before the change): chr19:46,273,462.
Other names: DM1 CTG repeat expansion; c.*224CTG[238] (NM_001424169.1, NM_001081560.3, NM_001288764.2 and 1 more transcripts); c.*217CTG[238] (NM_001081562.3, NM_001288765.2, NM_001424162.1 and 2 more transcripts); c.*222_*224TGC[238] (NM_001081563.3); c.*369CTG[238] (NM_001288766.2, NM_001424164.1, NM_001424168.1).
Identifiers: ClinVar variation 187944 (VCV000187944.1), ClinGen allele CA915951742.